The following is an entry in ClinVar:

ClinVar aggregate classification (germline): Uncertain significance. Review status: criteria provided, multiple submitters, no conflicts (2 of 4 stars). 3 submissions from 3 submitters: Uncertain significance (3). Last evaluated 2025-10-15.

Conditions:
Cardiovascular phenotype. Identifiers: MedGen CN230736.

Allele frequency attached by ClinVar (database versions not stated): TOPMed 0.00003; gnomAD exomes below 0.00001; ExAC 0.00002; gnomAD 0.00003.

Submissions (3):

Women's Health and Genetics/Laboratory Corporation of America, LabCorp
Classification: Uncertain significance. Last evaluated: 2025-10-15. Review status: criteria provided, single submitter. Criteria: LabCorp Variant Classification Summary - May 2015. Collection method: clinical testing. Allele origin: germline.
Comment: Variant summary: TTN c.62045C>T (p.Thr20682Ile) results in a non-conservative amino acid change in the encoded protein sequence. Algorithms developed to predict the effect of missense changes on protein structure and function are either unavailable or do not agree on the potential impact of this missense change. The variant allele was found at a frequency of 5e-06 in 201188 control chromosomes. The available data on variant occurrences in the general population are insufficient to allow any conclusion about variant significance. To our knowledge, no occurrence of c.62045C>T in individuals affected with TTN-related conditions and no experimental evidence demonstrating its impact on protein function have been reported. ClinVar contains an entry for this variant (Variation ID: 500800). Based on the evidence outlined above, the variant was classified as uncertain significance.

Ambry Genetics
Classification: Uncertain significance for Cardiovascular phenotype. Last evaluated: 2020-01-28. Review status: criteria provided, single submitter. Criteria: Ambry Variant Classification Scheme 2023. Collection method: clinical testing. Allele origin: germline.
Comment: The p.T14185I variant (also known as c.42554C>T), located in coding exon 153 of the TTN gene, results from a C to T substitution at nucleotide position 42554. The threonine at codon 14185 is replaced by isoleucine, an amino acid with similar properties. This amino acid position is highly conserved in available vertebrate species. In addition, this alteration is predicted to be tolerated by in silico analysis. Since supporting evidence is limited at this time, the clinical significance of this alteration remains unclear.

Eurofins Ntd Llc (ga)
Classification: Uncertain significance. Last evaluated: 2017-03-13. Review status: criteria provided, single submitter. Criteria: EGL Classification Definitions 2015. Collection method: clinical testing. Allele origin: germline. Observed: 1 variant allele, 1 heterozygote.

NM_001267550.2(TTN):c.69749C>T (p.Thr23250Ile)

Genes: TTN (titin; minus strand), TTN-AS1 (TTN antisense RNA 1; plus strand), LOC126806422 (BRD4-independent group 4 enhancer GRCh37_chr2:179440205-179441404; plus strand). Cytogenetic location: 2q31.2.
Variant type: single nucleotide variant.
Coding change: c.69749C>T on transcript NM_001267550.2 (MANE Select); coding-DNA position 69749, C replaced by T.
Protein change: p.Thr23250Ile; replaces threonine 23250 with isoleucine.
Molecular consequence: missense variant.
Genome position (GRCh38, 1-based): chr2:178,576,383, G>A on the plus strand (C>T on the coding strand, the complement: TTN is on the minus strand). VCF-style: chr2-178576383-G-A. GRCh37 (hg19) VCF-style: chr2-179441110-G-A.
Other names: c.43130C>T, p.Thr14377Ile (NM_133437.4); c.64826C>T, p.Thr21609Ile (NM_001256850.1); c.42554C>T, p.Thr14185Ile (NM_003319.4); c.62045C>T, p.Thr20682Ile (NM_133378.4); c.42929C>T, p.Thr14310Ile (NM_133432.3); short protein forms T20682I, T23250I, T14185I, T14310I, T21609I, T14377I.
Identifiers: ClinVar variation 500800 (VCV000500800.8), dbSNP rs771327436, ClinGen allele CA1990879.
Genomic context (GRCh38, chr2:178,576,383, plus strand): 5'-AGTCCACCATCATAATGAGGCTTGCCCCATGCCAAAGAAGCAGATTTCTTGGTAGTATCA[G>A]TGACATGCGGATTTGAAGGTGGTCCTGGAGGATCTGAGAAAGAAACAAAGACACAAAAGT-3'
Protein context (NP_001254479.2, residues 23240-23260): PPGPPSNPHV[Thr23250Ile]DTTKKSASLA